The following is an entry in ClinVar:

ClinVar aggregate classification (germline): Uncertain significance (1 of 4 stars; one submission).

Conditions:
Emery-Dreifuss muscular dystrophy 4, autosomal dominant (EDMD4). Also called: EMERY-DREIFUSS MUSCULAR DYSTROPHY 4 WITH VARIABLE FEATURES. Identifiers: Orphanet 261, MedGen C2751807, MONDO:0013071, OMIM 612998.
Autosomal recessive ataxia, Beauce type. Also called: Spinocerebellar ataxia, autosomal recessive 8; ATAXIA, RECESSIVE, OF BEAUCE; SYNE1-Related Autosomal Recessive Cerebellar Ataxia; SYNE1 Deficiency. Identifiers: Orphanet 88644, MedGen C1853116, MONDO:0012549, OMIM 610743.

gnomAD v4.1: 2 of 1,612,828 alleles (0.00012%); highest among the groups gnomAD compares: Non-Finnish European, 0.000085%; no homozygotes.

Submission:

Labcorp Genetics (formerly Invitae), Labcorp
Classification: Uncertain significance for Emery-Dreifuss muscular dystrophy 4, autosomal dominant; Autosomal recessive ataxia, Beauce type. Last evaluated: 2024-11-19. Review status: criteria provided, single submitter. Criteria: Invitae Variant Classification Sherloc (09022015). Collection method: clinical testing. Allele origin: germline.
Comment: This sequence change replaces threonine, which is neutral and polar, with isoleucine, which is neutral and non-polar, at codon 2272 of the SYNE1 protein (p.Thr2272Ile). This variant is not present in population databases (gnomAD no frequency). This variant has not been reported in the literature in individuals affected with SYNE1-related conditions. An algorithm developed to predict the effect of missense changes on protein structure and function (PolyPhen-2) suggests that this variant is likely to be tolerated. In summary, the available evidence is currently insufficient to determine the role of this variant in disease. Therefore, it has been classified as a Variant of Uncertain Significance.

NM_182961.4(SYNE1):c.6794C>T (p.Thr2265Ile)

Genes: SYNE1 (spectrin repeat containing nuclear envelope protein 1; minus strand), SYNE1-AS2 (SYNE1 antisense RNA 2; plus strand). Cytogenetic location: 6q25.2.
Variant type: single nucleotide variant.
Coding change: c.6794C>T on transcript NM_182961.4 (MANE Select); coding-DNA position 6794, C replaced by T.
Protein change: p.Thr2265Ile; replaces threonine 2265 with isoleucine.
Molecular consequence: missense variant.
Genome position (GRCh38, 1-based): chr6:152,404,244, G>A on the plus strand (C>T on the coding strand, the complement: SYNE1 is on the minus strand). VCF-style: chr6-152404244-G-A. GRCh37 (hg19) VCF-style: chr6-152725379-G-A.
Other names: c.6815C>T, p.Thr2272Ile (NM_033071.5); short protein forms T2265I, T2272I.
Identifiers: ClinVar variation 3760554 (VCV003760554.2).